The following is an entry in ClinVar:

NM_020937.4(FANCM):c.1556G>A (p.Gly519Asp)

Gene: FANCM (FA complementation group M; plus strand). Cytogenetic location: 14q21.2.
Variant type: single nucleotide variant.
Coding change: c.1556G>A on transcript NM_020937.4 (MANE Select); coding-DNA position 1556, G replaced by A.
Protein change: p.Gly519Asp; replaces glycine 519 with aspartic acid.
Molecular consequence: missense variant.
Genome position (GRCh38, 1-based): chr14:45,159,255, G>A. VCF-style: chr14-45159255-G-A. GRCh37 (hg19) VCF-style: chr14-45628458-G-A.
Other names: c.1478G>A, p.Gly493Asp (NM_001308133.2); c.1556G>A, p.Gly519Asp (NM_001308134.2); short protein forms G493D, G519D.
Identifiers: ClinVar variation 4751113 (VCV004751113.2).
Genomic context (GRCh38, chr14:45,159,255, plus strand): 5'-ATCAGCCAATTATTAGAGTAATGACTTTTGTCGGCCATGCCTCAGGGAAAAGCACGAAGG[G>A]TTTTACCCAGAAGGAGCAACTGGAGGTAATTATTTTTGGAATTGATAAAAATAAAAATAA-3'
Protein context (NP_065988.1, residues 509-529): VGHASGKSTK[Gly519Asp]FTQKEQLEVV

ClinVar aggregate classification (germline): Uncertain significance. Review status: criteria provided, multiple submitters, no conflicts (2 of 4 stars). 2 submissions from 2 submitters: Uncertain significance (2). Last evaluated 2026-01-04.

Conditions:
Fanconi anemia (FA). Also called: Fanconi's anemia. Identifiers: Orphanet 84, MedGen C0015625, MeSH D005199, MONDO:0019391.
Inborn genetic diseases. Identifiers: MedGen C0950123, MeSH D030342.

Submissions (2):

Ambry Genetics
Classification: Uncertain significance for Inborn genetic diseases. Last evaluated: 2026-01-04. Review status: criteria provided, single submitter. Criteria: Ambry Variant Classification Scheme 2023. Collection method: clinical testing. Allele origin: germline.
Comment: The p.G519D variant (also known as c.1556G>A), located in coding exon 9 of the FANCM gene, results from a G to A substitution at nucleotide position 1556. The glycine at codon 519 is replaced by aspartic acid, an amino acid with similar properties. This amino acid position is conserved. In addition, the in silico prediction for this alteration is inconclusive. Based on the available evidence, the clinical significance of this variant remains unclear.

Labcorp Genetics (formerly Invitae), Labcorp
Classification: Uncertain significance for Fanconi anemia. Last evaluated: 2025-06-20. Review status: criteria provided, single submitter. Criteria: Invitae Variant Classification Sherloc (09022015). Collection method: clinical testing. Allele origin: germline.
Comment: This sequence change replaces glycine, which is neutral and non-polar, with aspartic acid, which is acidic and polar, at codon 519 of the FANCM protein (p.Gly519Asp). This variant is present in population databases (no rsID available, gnomAD 0.01%). This variant has not been reported in the literature in individuals affected with FANCM-related conditions. An algorithm developed to predict the effect of missense changes on protein structure and function (PolyPhen-2) suggests that this variant is likely to be disruptive. In summary, the available evidence is currently insufficient to determine the role of this variant in disease. Therefore, it has been classified as a Variant of Uncertain Significance.